The following is an entry in ClinVar:

NM_001042492.3(NF1):c.3223G>T (p.Ala1075Ser)

Gene: NF1 (neurofibromin 1; plus strand). Cytogenetic location: 17q11.2.
Variant type: single nucleotide variant.
Coding change: c.3223G>T on transcript NM_001042492.3 (MANE Select); coding-DNA position 3223, G replaced by T.
Protein change: p.Ala1075Ser; replaces alanine 1075 with serine.
Molecular consequence: missense variant.
Genome position (GRCh38, 1-based): chr17:31,232,098, G>T. VCF-style: chr17-31232098-G-T. GRCh37 (hg19) VCF-style: chr17-29559116-G-T.
Other names: c.3223G>T, p.Ala1075Ser (NM_000267.4); short protein forms A1075S.
Identifiers: ClinVar variation 665518 (VCV000665518.5), dbSNP rs1597718763, ClinGen allele CA398988681.
Genomic context (GRCh38, chr17:31,232,098, plus strand): 5'-TCTAAATTTTTTTTTTTTTTTTTTTTTTTTTTCAGAGATTTGGACCAGGCAAGCATGGAA[G>T]CAGTAGTTTCACTTCTAGCTGGTCTCCCTCTGCAGCCTGAAGAAGGAGATGGTGTGGAAT-3'
Protein context (NP_001035957.1, residues 1065-1085): TRDLDQASME[Ala1075Ser]VVSLLAGLPL

ClinVar aggregate classification (germline): Uncertain significance (1 of 4 stars; one submission).

Conditions:
Neurofibromatosis, type 1 (NF1). Also called: VON RECKLINGHAUSEN DISEASE; NEUROFIBROMATOSIS, TYPE I, SOMATIC; Peripheral type neurofibromatosis; Neurofibromatosis, type I. Identifiers: Orphanet 636, MedGen C0027831, MONDO:0018975, OMIM 162200. Disease mechanism: loss of function.

Submission:

Labcorp Genetics (formerly Invitae), Labcorp
Classification: Uncertain significance for Neurofibromatosis, type 1. Last evaluated: 2018-11-08. Review status: criteria provided, single submitter. Criteria: Invitae Variant Classification Sherloc (09022015). Collection method: clinical testing. Allele origin: germline.
Comment: In summary, the available evidence is currently insufficient to determine the role of this variant in disease. Therefore, it has been classified as a Variant of Uncertain Significance. Algorithms developed to predict the effect of missense changes on protein structure and function are either unavailable or do not agree on the potential impact of this missense change (SIFT: "Deleterious"; PolyPhen-2: "Benign"; Align-GVGD: "Class C0"). This variant has not been reported in the literature in individuals with NF1-related disease. This variant is not present in population databases (ExAC no frequency). This sequence change replaces alanine with serine at codon 1075 of the NF1 protein (p.Ala1075Ser). The alanine residue is highly conserved and there is a moderate physicochemical difference between alanine and serine.